The following is an entry in ClinVar:

ClinVar aggregate classification (germline): Uncertain significance (1 of 4 stars; one submission).

Conditions:
Long QT syndrome (LQTS). Identifiers: MedGen C0023976, MeSH D008133, MONDO:0002442. Disease mechanism: loss of function. Inheritance: Various modes of inheritance.

Submission:

Labcorp Genetics (formerly Invitae), Labcorp
Classification: Uncertain significance for Long QT syndrome. Last evaluated: 2014-08-08. Review status: criteria provided, single submitter. Criteria: Invitae Variant Classification Sherloc (09022015). Collection method: clinical testing. Allele origin: germline.
Comment: This sequence change has not been reported in affected patients and has not been reported as a common polymorphism in the population. This substitution affects a highly conserved amino acid. Algorithms developed to predict the effect of missense changes on protein structure and function (SIFT, MutationTaster, AlignGVGD) suggest that this sequence change is likely to be disruptive, but these predictions have not been confirmed by functional studies At this time, this sequence change has been classified as a Variant of Uncertain Significance.

NM_000218.3(KCNQ1):c.356G>T (p.Gly119Val)

Gene: KCNQ1 (potassium voltage-gated channel subfamily Q member 1; plus strand). Cytogenetic location: 11p15.5.
Variant type: single nucleotide variant.
Coding change: c.356G>T on transcript NM_000218.3 (MANE Select); coding-DNA position 356, G replaced by T.
Protein change: p.Gly119Val; replaces glycine 119 with valine.
Molecular consequence: missense variant.
Genome position (GRCh38, 1-based): chr11:2,445,454, G>T. VCF-style: chr11-2445454-G-T. GRCh37 (hg19) VCF-style: chr11-2466684-G-T.
Other names: short protein forms G119V.
Identifiers: ClinVar variation 1037209 (VCV001037209.9), dbSNP rs199472680, ClinGen allele CA379117666.